The following is an entry in ClinVar:

ClinVar aggregate classification (germline): Likely pathogenic (1 of 4 stars; one submission).

Conditions:
Familial X-linked hypophosphatemic vitamin D refractory rickets (XLHRD). Also called: X-Linked Hypophosphatemia; HYPOPHOSPHATEMIC VITAMIN D-RESISTANT RICKETS; Hypophosphatemic Rickets, X-Linked Dominant; Hypophosphatemia, vitamin D-resistant rickets; Vitamin D-resistant rickets, X-linked. Identifiers: Orphanet 89936, MedGen C0733682, MONDO:0010619, OMIM 307800.

Submission:

3billion
Classification: Likely pathogenic for Familial X-linked hypophosphatemic vitamin D refractory rickets. Last evaluated: 2024-07-31. Review status: criteria provided, single submitter. Criteria: ACMG Guidelines, 2015. Collection method: clinical testing. Allele origin: germline. Affected: yes.
Comment: The variant is not observed in the gnomAD v4.0.0 dataset. Predicted Consequence/Location: Frameshift: predicted to result in a loss or disruption of normal protein function through nonsense-mediated decay (NMD) or protein truncation. Multiple pathogenic variants are reported downstream of the variant. Therefore, this variant is classified as Likely pathogenic according to the recommendation of ACMG/AMP guideline.

NM_000444.6(PHEX):c.1731del (p.Ile577fs)

Genes: PHEX (phosphate regulating endopeptidase X-linked; plus strand), PTCHD1-AS (PTCHD1 and PHEX antisense RNA; minus strand). Cytogenetic location: Xp22.11.
Variant type: Deletion.
Coding change: c.1731del on transcript NM_000444.6 (MANE Select); coding-DNA position 1731, one base deleted (T; older notation c.1731delT).
Protein change: p.Ile577fs; shifts the reading frame from isoleucine 577.
Molecular consequence: frameshift variant.
Genome position (GRCh38, 1-based): chrX:22,219,066, T deleted; the last of 2 consecutive T bases (chrX:22,219,065-22,219,066); deleting either gives the same sequence. VCF-style (leftmost placement, unchanged base first): chrX-22219064-AT-A. GRCh37 (hg19) VCF-style: chrX-22237181-AT-A.
Other names: c.1731del, p.Ile577fs (NM_001282754.2); short protein forms I577fs.
Identifiers: ClinVar variation 4291779 (VCV004291779.1).